The following is an entry in ClinVar:

ClinVar aggregate classification (germline): Likely benign. Review status: criteria provided, single submitter (1 of 4 stars). 2 submissions from 2 submitters: Likely benign (1). 1 of the submissions does not count toward it. Last evaluated 2024-03-09.

Conditions:
FOXL2-related disorder. Also called: FOXL2-related condition.

Allele frequency attached by ClinVar (database versions not stated): gnomAD exomes 0.00004; ExAC 0.00019; 1000 Genomes Project 30x 0.00031; 1000 Genomes Project 0.00040; gnomAD 0.00049; TOPMed 0.00053.

Submissions (2):

Blueprint Genetics
Classification: Likely benign. Last evaluated: 2024-03-09. Review status: criteria provided, single submitter. Criteria: ACMG Guidelines, 2015. Collection method: clinical testing. Allele origin: germline.

PreventionGenetics, part of Exact Sciences
Classification: Likely benign for FOXL2-related condition. Last evaluated: 2019-08-13. Review status: no assertion criteria provided. Collection method: clinical testing. Allele origin: germline. Not counted in ClinVar's aggregate classification.
Comment: This variant is classified as likely benign based on ACMG/AMP sequence variant interpretation guidelines (Richards et al. 2015 PMID: 25741868, with internal and published modifications).

NM_023067.4(FOXL2):c.-7C>T

Gene: FOXL2 (forkhead box L2; minus strand). Cytogenetic location: 3q22.3.
Variant type: single nucleotide variant.
Coding change: c.-7C>T on transcript NM_023067.4 (MANE Select); 7 bases upstream of the start codon, C replaced by T.
Molecular consequence: 5 prime UTR variant.
Genome position (GRCh38, 1-based): chr3:138,946,729, G>A on the plus strand (C>T on the coding strand, the complement: FOXL2 is on the minus strand). VCF-style: chr3-138946729-G-A. GRCh37 (hg19) VCF-style: chr3-138665571-G-A.
Identifiers: ClinVar variation 3035039 (VCV003035039.3), dbSNP rs534227199, ClinGen allele CA2639833.